The following is an entry in ClinVar:

ClinVar aggregate classification (germline): Uncertain significance (1 of 4 stars; one submission).

gnomAD v4.1: 7 of 1,587,376 alleles (0.00044%); highest among the groups gnomAD compares: Non-Finnish European, 0.0006%; no homozygotes.

Submission:

Labcorp Genetics (formerly Invitae), Labcorp
Classification: Uncertain significance. Last evaluated: 2025-03-22. Review status: criteria provided, single submitter. Criteria: Invitae Variant Classification Sherloc (09022015). Collection method: clinical testing. Allele origin: germline.
Comment: This sequence change replaces isoleucine, which is neutral and non-polar, with threonine, which is neutral and polar, at codon 186 of the SRP54 protein (p.Ile186Thr). This variant is not present in population databases (gnomAD no frequency). This variant has not been reported in the literature in individuals affected with SRP54-related conditions. Invitae Evidence Modeling of protein sequence and biophysical properties (such as structural, functional, and spatial information, amino acid conservation, physicochemical variation, residue mobility, and thermodynamic stability) has been performed for this missense variant. However, the output from this modeling did not meet the statistical confidence thresholds required to predict the impact of this variant on SRP54 protein function. In summary, the available evidence is currently insufficient to determine the role of this variant in disease. Therefore, it has been classified as a Variant of Uncertain Significance.

NM_003136.4(SRP54):c.557T>C (p.Ile186Thr)

Gene: SRP54 (signal recognition particle 54; plus strand). Cytogenetic location: 14q13.2.
Variant type: single nucleotide variant.
Coding change: c.557T>C on transcript NM_003136.4 (MANE Select); coding-DNA position 557, T replaced by C.
Protein change: p.Ile186Thr; replaces isoleucine 186 with threonine.
Molecular consequence: missense variant.
Genome position (GRCh38, 1-based): chr14:35,011,580, T>C. VCF-style: chr14-35011580-T-C. GRCh37 (hg19) VCF-style: chr14-35480786-T-C.
Other names: c.410T>C, p.Ile137Thr (NM_001146282.2); c.557T>C, p.Ile186Thr (NM_001411017.1, NM_001440813.1); short protein forms I137T, I186T.
Identifiers: ClinVar variation 4808339 (VCV004808339.1).